The following is an entry in ClinVar:

ClinVar aggregate classification (germline): Uncertain significance (1 of 4 stars; one submission).

Conditions:
PRDM13-related disorder. Also called: PRDM13-related condition.

gnomAD v4.1: 2 of 1,600,664 alleles (0.00012%); highest among the groups gnomAD compares: Non-Finnish European, 0.00017%; no homozygotes.

Submission:

PreventionGenetics, part of Exact Sciences
Classification: Uncertain significance for PRDM13-related condition. Last evaluated: 2024-12-06. Review status: criteria provided, single submitter. Criteria: ACMG Guidelines, 2015. Collection method: clinical testing. Allele origin: germline.
Comment: The PRDM13 c.1449A>T variant is predicted to result in the amino acid substitution p.Lys483Asn. To our knowledge, this variant has not been reported in the literature. This variant is reported in 0.0029% of alleles in individuals of European (Non-Finnish) descent in gnomAD. At this time, the clinical significance of this variant is uncertain due to the absence of conclusive functional and genetic evidence.

NM_021620.4(PRDM13):c.1449A>T (p.Lys483Asn)

Gene: PRDM13 (PR/SET domain 13; plus strand). Cytogenetic location: 6q16.2.
Variant type: single nucleotide variant.
Coding change: c.1449A>T on transcript NM_021620.4 (MANE Select); coding-DNA position 1449, A replaced by T.
Protein change: p.Lys483Asn; replaces lysine 483 with asparagine.
Molecular consequence: missense variant.
Genome position (GRCh38, 1-based): chr6:99,614,084, A>T. VCF-style: chr6-99614084-A-T. GRCh37 (hg19) VCF-style: chr6-100061960-A-T.
Other names: short protein forms K483N.
Identifiers: ClinVar variation 4979080 (VCV004979080.1).